The following is an entry in ClinVar:

NM_173648.4(CCDC141):c.3655C>T (p.Leu1219Phe)

Gene: CCDC141 (coiled-coil domain containing 141; minus strand). Cytogenetic location: 2q31.2.
Variant type: single nucleotide variant.
Coding change: c.3655C>T on transcript NM_173648.4 (MANE Select); coding-DNA position 3655, C replaced by T.
Protein change: p.Leu1219Phe; replaces leucine 1219 with phenylalanine.
Molecular consequence: missense variant.
Genome position (GRCh38, 1-based): chr2:178,837,564, G>A on the plus strand (C>T on the coding strand, the complement: CCDC141 is on the minus strand). VCF-style: chr2-178837564-G-A. GRCh37 (hg19) VCF-style: chr2-179702291-G-A.
Other names: short protein forms L1219F.
Identifiers: ClinVar variation 3604659 (VCV003604659.2).

ClinVar aggregate classification (germline): Uncertain significance (1 of 4 stars; one submission).

gnomAD v4.1: 4 of 1,613,890 alleles (0.00025%); highest among the groups gnomAD compares: Admixed American, 0.0017%; no homozygotes.

Submission:

Labcorp Genetics (formerly Invitae), Labcorp
Classification: Uncertain significance. Last evaluated: 2024-10-21. Review status: criteria provided, single submitter. Criteria: Invitae Variant Classification Sherloc (09022015). Collection method: clinical testing. Allele origin: germline.
Comment: This sequence change replaces leucine, which is neutral and non-polar, with phenylalanine, which is neutral and non-polar, at codon 1219 of the CCDC141 protein (p.Leu1219Phe). This variant is present in population databases (rs112157083, gnomAD 0.006%). This variant has not been reported in the literature in individuals affected with CCDC141-related conditions. An algorithm developed to predict the effect of missense changes on protein structure and function (PolyPhen-2) suggests that this variant is likely to be disruptive. In summary, the available evidence is currently insufficient to determine the role of this variant in disease. Therefore, it has been classified as a Variant of Uncertain Significance.